The following is an entry in ClinVar:

ClinVar aggregate classification (germline): Likely benign. Review status: criteria provided, multiple submitters, no conflicts (2 of 4 stars). 2 submissions from 2 submitters: Likely benign (2). Last evaluated 2026-02-01.

Allele frequency attached by ClinVar (database versions not stated): gnomAD 0.00001; TOPMed 0.00001; gnomAD exomes 0.00003; ExAC 0.00005.
gnomAD v4.1: 52 of 1,610,920 alleles (0.0032%); highest among the groups gnomAD compares: Non-Finnish European, 0.0036%; no homozygotes.

Submissions (2):

Labcorp Genetics (formerly Invitae), Labcorp
Classification: Likely benign. Last evaluated: 2026-02-01. Review status: criteria provided, single submitter. Criteria: Invitae Variant Classification Sherloc (09022015). Collection method: clinical testing. Allele origin: germline.

CeGaT Center for Human Genetics Tuebingen
Classification: Likely benign. Last evaluated: 2025-04-01. Review status: criteria provided, single submitter. Criteria: CeGaT Center For Human Genetics Tuebingen Variant Classification Criteria Version 2. Collection method: clinical testing. Allele origin: germline. Affected: yes. Observed: 1 variant allele.
Comment: SBF1: BP4, BP7

NM_002972.4(SBF1):c.3789G>A (p.Thr1263=)

Gene: SBF1 (SET binding factor 1; minus strand). Cytogenetic location: 22q13.33.
Variant type: single nucleotide variant.
Coding change: c.3789G>A on transcript NM_002972.4 (MANE Select); coding-DNA position 3789, G replaced by A.
Protein change: p.Thr1263=; no amino-acid change (threonine 1263 retained).
Molecular consequence: synonymous variant.
Genome position (GRCh38, 1-based): chr22:50,459,292, C>T on the plus strand (G>A on the coding strand, the complement: SBF1 is on the minus strand). VCF-style: chr22-50459292-C-T. GRCh37 (hg19) VCF-style: chr22-50897721-C-T.
Other names: c.3792G>A, p.Thr1264= (NM_001365819.1, NM_001410794.1); c.3789G>A, p.Thr1263= (NM_001410795.1, NM_197971.1).
Identifiers: ClinVar variation 1973255 (VCV001973255.12), dbSNP rs765489326, ClinGen allele CA10316562.